The following is an entry in ClinVar:

NM_005876.5(SPEG):c.5891A>G (p.Glu1964Gly)

Genes: ASIC4-AS1 (ASIC4 antisense RNA 1; minus strand), SPEG (striated muscle enriched protein kinase; plus strand). Cytogenetic location: 2q35.
Variant type: single nucleotide variant.
Coding change: c.5891A>G on transcript NM_005876.5 (MANE Select); coding-DNA position 5891, A replaced by G.
Protein change: p.Glu1964Gly; replaces glutamic acid 1964 with glycine.
Molecular consequence: missense variant.
Genome position (GRCh38, 1-based): chr2:219,483,354, A>G. VCF-style: chr2-219483354-A-G. GRCh37 (hg19) VCF-style: chr2-220348076-A-G.
Other names: c.5891A>G (NM_005876.4); short protein forms E1964G.
Identifiers: ClinVar variation 1378411 (VCV001378411.6), dbSNP rs55760738, ClinGen allele CA2126971.

ClinVar aggregate classification (germline): Uncertain significance. Review status: criteria provided, multiple submitters, no conflicts (2 of 4 stars). 3 submissions from 3 submitters: Uncertain significance (3). Last evaluated 2024-12-10.

Conditions:
Inborn genetic diseases. Identifiers: MedGen C0950123, MeSH D030342.

Allele frequency attached by ClinVar (database versions not stated): TOPMed 0.00003; gnomAD 0.00004 and 0.00005; gnomAD exomes 0.00005 and 0.00006; ExAC 0.00008.
gnomAD v4.1: 84 of 1,604,338 alleles (0.0052%); highest among the groups gnomAD compares: South Asian, 0.018%; 1 homozygote.

Submissions (3):

Ambry Genetics
Classification: Uncertain significance for Inborn genetic diseases. Last evaluated: 2024-12-10. Review status: criteria provided, single submitter. Criteria: Ambry Variant Classification Scheme 2023. Collection method: clinical testing. Allele origin: germline.

Greenwood Genetic Center Diagnostic Laboratories, Greenwood Genetic Center
Classification: Uncertain significance. Last evaluated: 2023-05-31. Review status: criteria provided, single submitter. Criteria: ACMG Guidelines, 2015. Collection method: clinical testing. Allele origin: germline. Affected: yes.
Comment: PM2

Labcorp Genetics (formerly Invitae), Labcorp
Classification: Uncertain significance. Last evaluated: 2021-09-24. Review status: criteria provided, single submitter. Criteria: Invitae Variant Classification Sherloc (09022015). Collection method: clinical testing. Allele origin: germline.
Comment: This sequence change replaces glutamic acid with glycine at codon 1964 of the SPEG protein (p.Glu1964Gly). The glutamic acid residue is highly conserved and there is a moderate physicochemical difference between glutamic acid and glycine. This variant is present in population databases (rs55760738, ExAC 0.02%). This variant has not been reported in the literature in individuals with SPEG-related conditions. Algorithms developed to predict the effect of missense changes on protein structure and function are either unavailable or do not agree on the potential impact of this missense change (SIFT: "Deleterious"; PolyPhen-2: "Benign"; Align-GVGD: "Class C0"). In summary, the available evidence is currently insufficient to determine the role of this variant in disease. Therefore, it has been classified as a Variant of Uncertain Significance.